The following is an entry in ClinVar:

ClinVar aggregate classification (germline): Pathogenic (1 of 4 stars; one submission).

Conditions:
Factor XIII, b subunit, deficiency of. Also called: Factor XIII subunit B deficiency. Identifiers: Orphanet 331, MedGen C2750481, MONDO:0013190, OMIM 613235, HP:0040234.

Allele frequency attached by ClinVar (database versions not stated): TOPMed below 0.00001; gnomAD exomes 0.00002 and 0.00007; ExAC 0.00008.

Submission:

Victorian Clinical Genetics Services, Murdoch Childrens Research Institute
Classification: Pathogenic for Factor XIII, b subunit, deficiency of. Last evaluated: 2020-05-26. Review status: criteria provided, single submitter. Criteria: ACMG Guidelines, 2015. Collection method: clinical testing. Allele origin: germline. Inheritance: Autosomal recessive inheritance.
Comment: Based on the classification scheme VCGS_Germline_v1.1.1, this variant is classified as pathogenic. Following criteria are met: 0102 - Loss-of-function is a known mechanism of disease for this gene. (N) 0106 - This gene is known to be associated with autosomal recessive disease. (N) 0201 - Variant is predicted to cause nonsense-mediated decay (NMD) and loss of protein (exon 7 of 12). (P) 0251 - Variant is heterozygous. (N) 0304 - Variant is present in gnomAD <0.01 for a recessive condition (18 heterozygotes, 1 homozygote). (P) 0703 – Two comparable variants also predicted to cause NMD, have moderate previous evidence for pathogenicity, (ClinVar). (P) 0803 - Low previous evidence of pathogenicity in a single homozygote individual (PMID: 20331752). (P) 0905 - No segregation evidence has been identified for this variant. (N) 1007 - No published functional evidence has been identified for this variant. (N) 1208 - Inheritance information for this variant is not currently available. (N) Legend: (P) - Pathogenic, (N) - Neutral, (B) - Benign

Literature cited by the submitters: PubMed 20331752.

NM_001994.3(F13B):c.1152_1155dup (p.Pro386fs)

Gene: F13B (coagulation factor XIII B chain; minus strand). Cytogenetic location: 1q31.3.
Variant type: Duplication.
Coding change: c.1152_1155dup on transcript NM_001994.3 (MANE Select); coding-DNA positions 1152 to 1155, 4 bases duplicated (ACTT; older notation c.1152_1155dupACTT).
Protein change: p.Pro386fs; shifts the reading frame from proline 386.
Molecular consequence: frameshift variant.
Genome position (GRCh38, 1-based): chr1:197,057,029-197,057,032, AAGT duplicated on the plus strand (ACTT on the coding strand, the reverse complement: F13B is on the minus strand). VCF-style (leftmost placement, unchanged base first): chr1-197057028-G-GAAGT. GRCh37 (hg19) VCF-style: chr1-197026158-G-GAAGT.
Other names: short protein forms P386fs.
Identifiers: ClinVar variation 1698968 (VCV001698968.3), dbSNP rs748757906, ClinGen allele CA1308401.